The following is an entry in ClinVar:

NM_001972.4(ELANE):c.22G>C (p.Ala8Pro)

Gene: ELANE (elastase, neutrophil expressed; plus strand). Cytogenetic location: 19p13.3.
Variant type: single nucleotide variant.
Coding change: c.22G>C on transcript NM_001972.4 (MANE Select); coding-DNA position 22, G replaced by C.
Protein change: p.Ala8Pro; replaces alanine 8 with proline.
Molecular consequence: missense variant.
Genome position (GRCh38, 1-based): chr19:852,350, G>C. VCF-style: chr19-852350-G-C. GRCh37 (hg19) VCF-style: chr19-852350-G-C.
Other names: short protein forms A8P.
Identifiers: ClinVar variation 2940528 (VCV002940528.4), dbSNP rs759486889, ClinGen allele CA9025900.

ClinVar aggregate classification (germline): Uncertain significance. Review status: criteria provided, multiple submitters, no conflicts (2 of 4 stars). 2 submissions from 2 submitters: Uncertain significance (2). Last evaluated 2025-12-03.

Conditions:
Neutropenia, severe congenital, 1, autosomal dominant. Identifiers: MedGen C1859966, MONDO:0042490, OMIM 202700.
Cyclical neutropenia. Also called: Cyclic hematopoiesis; Cyclic Neutropenia. Identifiers: Orphanet 2686, MedGen C0221023, MONDO:0008090, OMIM 162800, HP:0040289. Disease mechanism: loss of function.
Inborn genetic diseases. Identifiers: MedGen C0950123, MeSH D030342.

gnomAD v4.1: 1 of 1,610,990 alleles (0.000062%); highest among the groups gnomAD compares: Non-Finnish European, 0.000085%; no homozygotes.

Submissions (2):

Labcorp Genetics (formerly Invitae), Labcorp
Classification: Uncertain significance for Neutropenia, severe congenital, 1, autosomal dominant; Cyclical neutropenia. Last evaluated: 2025-12-03. Review status: criteria provided, single submitter. Criteria: Invitae Variant Classification Sherloc (09022015). Collection method: clinical testing. Allele origin: germline.
Comment: This sequence change replaces alanine, which is neutral and non-polar, with proline, which is neutral and non-polar, at codon 8 of the ELANE protein (p.Ala8Pro). This variant is present in population databases (rs759486889, gnomAD 0.0009%). This variant has not been reported in the literature in individuals affected with ELANE-related conditions. ClinVar contains an entry for this variant (Variation ID: 2940528). An algorithm developed to predict the effect of missense changes on protein structure and function outputs the following: PolyPhen-2: "Benign". The proline amino acid residue is found in multiple mammalian species, which suggests that this missense change does not adversely affect protein function. In summary, the available evidence is currently insufficient to determine the role of this variant in disease. Therefore, it has been classified as a Variant of Uncertain Significance.

Ambry Genetics
Classification: Uncertain significance for Inborn genetic diseases. Last evaluated: 2025-03-02. Review status: criteria provided, single submitter. Criteria: Ambry Variant Classification Scheme 2023. Collection method: clinical testing. Allele origin: germline.
Comment: The p.A8P variant (also known as c.22G>C), located in coding exon 1 of the ELANE gene, results from a G to C substitution at nucleotide position 22. The alanine at codon 8 is replaced by proline, an amino acid with highly similar properties. This amino acid position is conserved. In addition, this alteration is predicted to be tolerated by in silico analysis. Based on the available evidence, the clinical significance of this variant remains unclear.